The following is an entry in ClinVar:

NM_001966.4(EHHADH):c.830A>G (p.Lys277Arg)

Gene: EHHADH (enoyl-CoA hydratase and 3-hydroxyacyl CoA dehydrogenase; minus strand). Cytogenetic location: 3q27.2.
Variant type: single nucleotide variant.
Coding change: c.830A>G on transcript NM_001966.4 (MANE Select); coding-DNA position 830, A replaced by G.
Protein change: p.Lys277Arg; replaces lysine 277 with arginine.
Molecular consequence: missense variant.
Genome position (GRCh38, 1-based): chr3:185,204,496, T>C on the plus strand (A>G on the coding strand, the complement: EHHADH is on the minus strand). VCF-style: chr3-185204496-T-C. GRCh37 (hg19) VCF-style: chr3-184922284-T-C.
Other names: c.542A>G, p.Lys181Arg (NM_001166415.2); short protein forms K181R, K277R.
Identifiers: ClinVar variation 4985670 (VCV004985670.1).

ClinVar aggregate classification (germline): Uncertain significance (1 of 4 stars; one submission).

Conditions:
EHHADH-related disorder. Also called: EHHADH-related condition.

gnomAD v4.1: 10 of 1,614,060 alleles (0.00062%); highest among the groups gnomAD compares: Non-Finnish European, 0.00085%; no homozygotes.

Submission:

PreventionGenetics, part of Exact Sciences
Classification: Uncertain significance for EHHADH-related condition. Last evaluated: 2024-12-09. Review status: criteria provided, single submitter. Criteria: ACMG Guidelines, 2015. Collection method: clinical testing. Allele origin: germline.
Comment: The EHHADH c.830A>G variant is predicted to result in the amino acid substitution p.Lys277Arg. To our knowledge, this variant has not been reported in the literature or in a large population database (gnomAD), indicating this variant is rare. At this time, the clinical significance of this variant is uncertain due to the absence of conclusive functional and genetic evidence.